The following is an entry in ClinVar:

ClinVar aggregate classification (germline): Likely benign. Review status: criteria provided, multiple submitters, no conflicts (2 of 4 stars). 3 submissions from 3 submitters: Likely benign (3). Last evaluated 2026-02-01.

Allele frequency attached by ClinVar (database versions not stated): ExAC 0.00014; gnomAD 0.00019; ESP Exome Variant Server 0.00023; gnomAD exomes 0.00027.
gnomAD v4.1: 407 of 1,557,410 alleles (0.026%); highest among the groups gnomAD compares: Non-Finnish European, 0.031%; 1 homozygote.

Submissions (3):

Labcorp Genetics (formerly Invitae), Labcorp
Classification: Likely benign. Last evaluated: 2026-02-01. Review status: criteria provided, single submitter. Criteria: Invitae Variant Classification Sherloc (09022015). Collection method: clinical testing. Allele origin: germline.

Blueprint Genetics
Classification: Likely benign. Last evaluated: 2024-08-28. Review status: criteria provided, single submitter. Criteria: ACMG Guidelines, 2015. Collection method: clinical testing. Allele origin: germline.

CeGaT Center for Human Genetics Tuebingen
Classification: Likely benign. Last evaluated: 2022-03-01. Review status: criteria provided, single submitter. Criteria: CeGaT Center For Human Genetics Tuebingen Variant Classification Criteria Version 2. Collection method: clinical testing. Allele origin: germline. Affected: yes. Observed: 1 variant allele.
Comment: CDAN1: BP4, BP7

NM_138477.4(CDAN1):c.2536C>T (p.Leu846=)

Gene: CDAN1 (codanin 1; minus strand). Cytogenetic location: 15q15.2.
Variant type: single nucleotide variant.
Coding change: c.2536C>T on transcript NM_138477.4 (MANE Select); coding-DNA position 2536, C replaced by T.
Protein change: p.Leu846=; no amino-acid change (leucine 846 retained).
Molecular consequence: synonymous variant.
Genome position (GRCh38, 1-based): chr15:42,729,234, G>A on the plus strand (C>T on the coding strand, the complement: CDAN1 is on the minus strand). VCF-style: chr15-42729234-G-A. GRCh37 (hg19) VCF-style: chr15-43021432-G-A.
Identifiers: ClinVar variation 2645254 (VCV002645254.28), dbSNP rs145610572, ClinGen allele CA7515628.